The following is an entry in ClinVar:

ClinVar aggregate classification (germline): Uncertain significance. Review status: criteria provided, multiple submitters, no conflicts (2 of 4 stars). 3 submissions from 3 submitters: Uncertain significance (3). Last evaluated 2025-11-22.

Conditions:
Hereditary cancer-predisposing syndrome. Also called: Tumor predisposition; Neoplastic Syndromes, Hereditary; Hereditary Cancer Syndrome; Hereditary neoplastic syndrome. Identifiers: Orphanet 140162, MedGen C0027672, MeSH D009386, MONDO:0015356.
Neuroblastoma, susceptibility to, 3. Also called: ALK-Related Neuroblastic Tumor Susceptibility. Identifiers: Orphanet 635, MedGen C2751681, MONDO:0013083, OMIM 613014.

Submissions (3):

Labcorp Genetics (formerly Invitae), Labcorp
Classification: Uncertain significance for Neuroblastoma, susceptibility to, 3. Last evaluated: 2025-11-22. Review status: criteria provided, single submitter. Criteria: Invitae Variant Classification Sherloc (09022015). Collection method: clinical testing. Allele origin: germline.
Comment: This sequence change replaces glycine, which is neutral and non-polar, with aspartic acid, which is acidic and polar, at codon 129 of the ALK protein (p.Gly129Asp). The frequency data for this variant in the population databases is considered unreliable, as metrics indicate poor data quality at this position in the gnomAD database. This variant has not been reported in the literature in individuals affected with ALK-related conditions. ClinVar contains an entry for this variant (Variation ID: 1056625). An algorithm developed to predict the effect of missense changes on protein structure and function (PolyPhen-2) suggests that this variant is likely to be disruptive. In summary, the available evidence is currently insufficient to determine the role of this variant in disease. Therefore, it has been classified as a Variant of Uncertain Significance.

Ambry Genetics
Classification: Uncertain significance for Hereditary cancer-predisposing syndrome. Last evaluated: 2025-03-21. Review status: criteria provided, single submitter. Criteria: Ambry Variant Classification Scheme 2023. Collection method: clinical testing. Allele origin: germline.

Fulgent Genetics
Classification: Uncertain significance for Neuroblastoma, susceptibility to, 3. Last evaluated: 2024-05-23. Review status: criteria provided, single submitter. Criteria: ACMG Guidelines, 2015. Collection method: clinical testing. Allele origin: germline.

NM_004304.5(ALK):c.386G>A (p.Gly129Asp)

Gene: ALK (ALK receptor tyrosine kinase; minus strand). Cytogenetic location: 2p23.1.
Variant type: single nucleotide variant.
Coding change: c.386G>A on transcript NM_004304.5 (MANE Select); coding-DNA position 386, G replaced by A.
Protein change: p.Gly129Asp; replaces glycine 129 with aspartic acid.
Molecular consequence: missense variant.
Genome position (GRCh38, 1-based): chr2:29,920,274, C>T on the plus strand (G>A on the coding strand, the complement: ALK is on the minus strand). VCF-style: chr2-29920274-C-T. GRCh37 (hg19) VCF-style: chr2-30143140-C-T.
Other names: c.386G>A (NM_004304.4); short protein forms G129D.
Identifiers: ClinVar variation 1056625 (VCV001056625.12), dbSNP rs760041708, ClinGen allele CA1594987.
Genomic context (GRCh38, chr2:29,920,274, plus strand): 5'-GCCTCCTCGCCCAGCTCCAGCACCAACTGCTTGGCACGCCGGAGCTTGCGCACGGAGCCG[C>T]CCTTCAGCACCCTGGACAGCGTCCGGGCCTCTGCCGGGGCTGGTGAACCGGCGGTCCAGG-3'
Protein context (NP_004295.2, residues 119-139): EARTLSRVLK[Gly129Asp]GSVRKLRRAK